The following is an entry in ClinVar:

NM_001267550.2(TTN):c.68067C>T (p.Asn22689=)

Genes: TTN (titin; minus strand), TTN-AS1 (TTN antisense RNA 1; plus strand), LOC126806423 (CDK7 strongly-dependent group 2 enhancer GRCh37_chr2:179443309-179444508; plus strand). Cytogenetic location: 2q31.2.
Variant type: single nucleotide variant.
Coding change: c.68067C>T on transcript NM_001267550.2 (MANE Select); coding-DNA position 68067, C replaced by T.
Protein change: p.Asn22689=; no amino-acid change (asparagine 22689 retained).
Molecular consequence: synonymous variant.
Genome position (GRCh38, 1-based): chr2:178,578,963, G>A on the plus strand (C>T on the coding strand, the complement: TTN is on the minus strand). VCF-style: chr2-178578963-G-A. GRCh37 (hg19) VCF-style: chr2-179443690-G-A.
Other names: c.63144C>T, p.Asn21048= (NM_001256850.1); c.40872C>T, p.Asn13624= (NM_003319.4); c.60363C>T, p.Asn20121= (NM_133378.4); c.41247C>T, p.Asn13749= (NM_133432.3); c.41448C>T, p.Asn13816= (NM_133437.4).
Identifiers: ClinVar variation 1627723 (VCV001627723.9), dbSNP rs777832243, ClinGen allele CA60956388.

ClinVar aggregate classification (germline): Likely benign. Review status: criteria provided, multiple submitters, no conflicts (2 of 4 stars). 2 submissions from 2 submitters: Likely benign (2). Last evaluated 2026-08-01.

Conditions:
Dilated cardiomyopathy 1G (CMD1G). Identifiers: Orphanet 154, MedGen C1858763, MONDO:0011400, OMIM 604145.
Autosomal recessive limb-girdle muscular dystrophy type 2J (LGMDR10). Also called: Limb-girdle muscular dystrophy, type 2J; MUSCULAR DYSTROPHY, LIMB-GIRDLE, AUTOSOMAL RECESSIVE 10. Identifiers: Orphanet 140922, MedGen C1837342, MONDO:0012127, OMIM 608807.

Allele frequency attached by ClinVar (database versions not stated): gnomAD exomes 0.00001.
gnomAD v4.1: 13 of 1,613,106 alleles (0.00081%); highest among the groups gnomAD compares: South Asian, 0.012%; no homozygotes.

Submissions (2):

CeGaT Center for Human Genetics Tuebingen
Classification: Likely benign. Last evaluated: 2026-08-01. Review status: criteria provided, single submitter. Criteria: CeGaT Center For Human Genetics Tuebingen Variant Classification Criteria Version 2. Collection method: clinical testing. Allele origin: germline. Affected: yes. Observed: 1 variant allele.
Comment: TTN: BP4, BP7

Labcorp Genetics (formerly Invitae), Labcorp
Classification: Likely benign for Dilated cardiomyopathy 1G; Autosomal recessive limb-girdle muscular dystrophy type 2J. Last evaluated: 2021-08-07. Review status: criteria provided, single submitter. Criteria: Invitae Variant Classification Sherloc (09022015). Collection method: clinical testing. Allele origin: germline.